The following is an entry in ClinVar:

NM_000059.4(BRCA2):c.9707_9719delinsC (p.Lys3236_Val3240delinsThr)

Gene: BRCA2 (BRCA2 DNA repair associated; plus strand). Cytogenetic location: 13q13.1.
Variant type: Indel.
Coding change: c.9707_9719delinsC on transcript NM_000059.4 (MANE Select); coding-DNA positions 9707 to 9719, AAAGGAAGTCTGT replaced by C.
Protein change: p.Lys3236_Val3240delinsThr.
Molecular consequence: inframe indel. On other transcripts: non-coding transcript variant (1).
Genome position (GRCh38, 1-based): chr13:32,398,220-32,398,232, AAAGGAAGTCTGT replaced by C. VCF-style: chr13-32398220-AAAGGAAGTCTGT-C. GRCh37 (hg19) VCF-style: chr13-32972357-AAAGGAAGTCTGT-C.
Other names: c.9611_9623delinsC, p.Lys3204_Val3208delinsThr (NM_001406719.1); c.9656_9668delinsC, p.Lys3219_Val3223delinsThr (NM_001406720.1); c.4775_4787delinsC, p.Lys1592_Val1596delinsThr (NM_001406721.1); c.3290_3302delinsC, p.Lys1097_Val1101delinsThr (NM_001406722.1); c.9707_9719delinsC, p.Lys3236_Val3240delinsThr (NM_001432077.1); c.9707_9719del13insC (NM_000059.3).
Identifiers: ClinVar variation 3482046 (VCV003482046.1).

ClinVar aggregate classification (germline): Uncertain significance (1 of 4 stars; one submission).

Conditions:
Hereditary cancer-predisposing syndrome. Also called: Tumor predisposition; Neoplastic Syndromes, Hereditary; Hereditary Cancer Syndrome; Hereditary neoplastic syndrome. Identifiers: Orphanet 140162, MedGen C0027672, MeSH D009386, MONDO:0015356.

Submission:

Ambry Genetics
Classification: Uncertain significance for Hereditary cancer-predisposing syndrome. Last evaluated: 2024-08-06. Review status: criteria provided, single submitter. Criteria: Ambry Variant Classification Scheme 2023. Collection method: clinical testing. Allele origin: germline.
Comment: The c.9707_9719del13insC variant (also known as p.K3236_V3240delinsT), located in coding exon 26 of the BRCA2 gene, results from an in-frame deletion of AAAGGAAGTCTGT and insertion of C at nucleotide positions 9707 to 9719. This results in the substitution of five residues (KRKSV) for a threonine residue at codons 3236 to 3240. This amino acid region is not well conserved in available vertebrate species. In addition, this alteration is predicted to be deleterious by in silico analysis (Choi Y et al. PLoS ONE. 2012; 7(10):e46688).Based on the available evidence, the clinical significance of this variant remains unclear.